The following is an entry in ClinVar:

NM_000051.4(ATM):c.1481G>C (p.Gly494Ala)

Gene: ATM (ATM serine/threonine kinase; plus strand). Cytogenetic location: 11q22.3.
Variant type: single nucleotide variant.
Coding change: c.1481G>C on transcript NM_000051.4 (MANE Select); coding-DNA position 1481, G replaced by C.
Protein change: p.Gly494Ala; replaces glycine 494 with alanine.
Molecular consequence: missense variant.
Genome position (GRCh38, 1-based): chr11:108,250,946, G>C. VCF-style: chr11-108250946-G-C. GRCh37 (hg19) VCF-style: chr11-108121673-G-C.
Other names: c.1481G>C, p.Gly494Ala (NM_001351834.2); short protein forms G494A.
Identifiers: ClinVar variation 2843418 (VCV002843418.3), dbSNP rs786202233, ClinGen allele CA382534189.

ClinVar aggregate classification (germline): Uncertain significance (1 of 4 stars; one submission).

Conditions:
Ataxia-telangiectasia syndrome (AT). Also called: Cerebello-oculocutaneous telangiectasia; Immunodeficiency with ataxia telangiectasia; Ataxia-telangiectasia, complementation group E; Ataxia-telangiectasia, complementation group D; LOUIS-BAR SYNDROME; AT, COMPLEMENTATION GROUP C. Identifiers: Orphanet 100, MedGen C0004135, MONDO:0008840, OMIM 208900.

Submission:

Labcorp Genetics (formerly Invitae), Labcorp
Classification: Uncertain significance for Ataxia-telangiectasia syndrome. Last evaluated: 2024-02-04. Review status: criteria provided, single submitter. Criteria: Invitae Variant Classification Sherloc (09022015). Collection method: clinical testing. Allele origin: germline.
Comment: This sequence change replaces glycine, which is neutral and non-polar, with alanine, which is neutral and non-polar, at codon 494 of the ATM protein (p.Gly494Ala). This variant is not present in population databases (gnomAD no frequency). This variant has not been reported in the literature in individuals affected with ATM-related conditions. An algorithm developed to predict the effect of missense changes on protein structure and function (PolyPhen-2) suggests that this variant is likely to be tolerated. In summary, the available evidence is currently insufficient to determine the role of this variant in disease. Therefore, it has been classified as a Variant of Uncertain Significance.